The following is an entry in ClinVar:

ClinVar aggregate classification (germline): Pathogenic/Likely pathogenic. Review status: criteria provided, multiple submitters, no conflicts (2 of 4 stars). 7 submissions from 7 submitters: Pathogenic (5); Likely pathogenic (1). 1 of the submissions does not count toward it. Last evaluated 2025-12-11.

Conditions:
LMX1B-related disorder. Also called: LMX1B-related condition.
Inborn genetic diseases. Identifiers: MedGen C0950123, MeSH D030342.
Autosomal recessive Alport syndrome (ATS2). Also called: COL4A4 Alport Syndrome and Thin Basement Membrane Nephropathy; ALPORT SYNDROME 2, AUTOSOMAL RECESSIVE; Alport syndrome type 2; COL4A3-Related Nephropathy. Identifiers: Orphanet 63, Orphanet 88919, MedGen C4746745, MONDO:0008762, OMIM 203780.
Nail-patella syndrome (NPS). Also called: FONG DISEASE; TURNER-KIESER SYNDROME; ONYCHOOSTEODYSPLASIA. Identifiers: Orphanet 2614, MedGen C0027341, MONDO:0008061, OMIM 161200.

Submissions (7):

Medical and Scientific Branch, Hong Kong Genome Institute
Classification: Likely pathogenic for Autosomal recessive Alport syndrome. Last evaluated: 2025-12-11. Review status: criteria provided, single submitter. Criteria: ACMG Guidelines, 2015. Collection method: clinical testing. Allele origin: germline. Affected: yes.

Labcorp Genetics (formerly Invitae), Labcorp
Classification: Pathogenic. Last evaluated: 2025-12-07. Review status: criteria provided, single submitter. Criteria: Invitae Variant Classification Sherloc (09022015). Collection method: clinical testing. Allele origin: germline.
Comment: This sequence change creates a premature translational stop signal (p.Arg231*) in the LMX1B gene. It is expected to result in an absent or disrupted protein product. Loss-of-function variants in LMX1B are known to be pathogenic (PMID: 9590287, 15498463). This variant is not present in population databases (gnomAD no frequency). This premature translational stop signal has been observed in individuals with clinical features of nail-patella syndrome (PMID: 9618165; internal data). This variant is also known as p.Arg208Ter. ClinVar contains an entry for this variant (Variation ID: 7006). For these reasons, this variant has been classified as Pathogenic.

Division of Nephrology, Li Ka Shing Institute of Health Sciences, Chinese University of Hong Kong
Classification: Pathogenic for Nail Patella Syndrome. Last evaluated: 2025-10-11. Review status: criteria provided, single submitter. Criteria: ACMG Guidelines, 2015. Collection method: clinical testing. Allele origin: unknown. Affected: yes.
Comment: The nonsense c.691C>T variant is predicted to change the 231st amino acid residue from arginine to a stop codon, and the mRNA is predicted to undergo nonsense-mediated mRNA decay. The variant has been reported in two unrelated patients with nail-patella syndrome in literature. The variant is absent from the control population in gnomAD v3.1.2, while exomes dataset did not pass quality filter in gnomAD v2.1.1. The variant is classified as likely pathogenic according to the ACMG guidelines (PVS1, PM2_Supporting).

Blueprint Genetics
Classification: Pathogenic for LMX1B-related disorders. Last evaluated: 2024-10-08. Review status: criteria provided, single submitter. Criteria: ACMG Guidelines, 2015. Collection method: clinical testing. Allele origin: germline. Affected: yes. Observed: 2 variant alleles.

Ambry Genetics
Classification: Pathogenic for Inborn genetic diseases. Last evaluated: 2024-04-15. Review status: criteria provided, single submitter. Criteria: Ambry Variant Classification Scheme 2023. Collection method: clinical testing. Allele origin: germline.
Comment: The c.691C>T (p.R231*) alteration, located in exon 4 (coding exon 4) of the LMX1B gene, consists of a C to T substitution at nucleotide position 691. This changes the amino acid from an arginine (R) to a stop codon at amino acid position 231. This alteration is expected to result in loss of function by premature protein truncation or nonsense-mediated mRNA decay. for nail patella syndrome; however, its clinical significance for LMX1B-related focal segmental glomerulosclerosisis is uncertain. This variant was not reported in population-based cohorts in the Genome Aggregation Database (gnomAD). This alteration, referred to as "Arg208Ter", was reported in a family with nail patella syndrome (Vollrath, 1998). Based on the available evidence, this alteration is classified as pathogenic.

GeneDx
Classification: Pathogenic. Last evaluated: 2023-03-24. Review status: criteria provided, single submitter. Criteria: GeneDx Variant Classification Process June 2021. Collection method: clinical testing. Allele origin: germline. Affected: yes.
Comment: Nonsense variant predicted to result in protein truncation or nonsense mediated decay in a gene for which loss of function is a known mechanism of disease; Not observed at significant frequency in large population cohorts (gnomAD); This variant is associated with the following publications: (PMID: 18535845, 9618165, 25898926, 33692073)

OMIM
Classification: Pathogenic for NAIL-PATELLA SYNDROME. Last evaluated: 1998-07-01. Review status: no assertion criteria provided. Collection method: literature only. Allele origin: germline. Not counted in ClinVar's aggregate classification.

Literature cited by the submitters: PubMed 9590287 (cited by Labcorp Genetics (formerly Invitae), Labcorp); PubMed 15498463 (cited by Labcorp Genetics (formerly Invitae), Labcorp); PubMed 9618165 (cited by 3 submitters).

NM_001174147.2(LMX1B):c.691C>T (p.Arg231Ter)

Gene: LMX1B (LIM homeobox transcription factor 1 beta; plus strand). Cytogenetic location: 9q33.3.
Variant type: single nucleotide variant.
Coding change: c.691C>T on transcript NM_001174147.2 (MANE Select); coding-DNA position 691, C replaced by T.
Protein change: p.Arg231Ter; replaces arginine 231 with a stop codon.
Molecular consequence: nonsense.
Genome position (GRCh38, 1-based): chr9:126,693,273, C>T. VCF-style: chr9-126693273-C-T. GRCh37 (hg19) VCF-style: chr9-129455552-C-T.
Other names: R208*; c.691C>T, p.Arg231Ter (NM_001174146.2, NM_002316.4); short protein forms R231*.
Identifiers: ClinVar variation 7006 (VCV000007006.14), dbSNP rs121909490, ClinGen allele CA254055.
Genomic context (GRCh38, chr9:126,693,273, plus strand): 5'-GATGACGGGAAGGACCCGCGGAGGCCCAAGCGACCCCGGACCATCCTCACCACGCAGCAG[C>T]GAAGAGCCTTCAAGGCCTCCTTCGAGGTCTCGTCGAAGCCTTGCCGAAAGGTGAGGGGCG-3'